The following is an entry in ClinVar:

ClinVar aggregate classification (germline): Uncertain significance (1 of 4 stars; one submission).

gnomAD v4.1: 3 of 1,614,148 alleles (0.00019%); highest among the groups gnomAD compares: Admixed American, 0.005%; no homozygotes.

Submission:

Labcorp Genetics (formerly Invitae), Labcorp
Classification: Uncertain significance. Last evaluated: 2026-01-08. Review status: criteria provided, single submitter. Criteria: Invitae Variant Classification Sherloc (09022015). Collection method: clinical testing. Allele origin: germline.
Comment: This sequence change replaces serine, which is neutral and polar, with isoleucine, which is neutral and non-polar, at codon 148 of the NDUFAF1 protein (p.Ser148Ile). This variant is present in population databases (rs760046397, gnomAD 0.009%). This variant has not been reported in the literature in individuals affected with NDUFAF1-related conditions. Invitae Evidence Modeling of protein sequence and biophysical properties (such as structural, functional, and spatial information, amino acid conservation, physicochemical variation, residue mobility, and thermodynamic stability) indicates that this missense variant is expected to disrupt NDUFAF1 protein function with a positive predictive value of 80%. In summary, the available evidence is currently insufficient to determine the role of this variant in disease. Therefore, it has been classified as a Variant of Uncertain Significance.

NM_016013.4(NDUFAF1):c.443G>T (p.Ser148Ile)

Gene: NDUFAF1 (NADH:ubiquinone oxidoreductase complex assembly factor 1; minus strand). Cytogenetic location: 15q15.1.
Variant type: single nucleotide variant.
Coding change: c.443G>T on transcript NM_016013.4 (MANE Select); coding-DNA position 443, G replaced by T.
Protein change: p.Ser148Ile; replaces serine 148 with isoleucine.
Molecular consequence: missense variant. On other transcripts: non-coding transcript variant (3).
Genome position (GRCh38, 1-based): chr15:41,396,617, C>A on the plus strand (G>T on the coding strand, the complement: NDUFAF1 is on the minus strand). VCF-style: chr15-41396617-C-A. GRCh37 (hg19) VCF-style: chr15-41688815-C-A.
Other names: c.443G>T, p.Ser148Ile (NM_001437486.1, NM_001437487.1, NM_001437488.1 and 2 more transcripts); short protein forms S148I.
Identifiers: ClinVar variation 4741689 (VCV004741689.1).